The following is an entry in ClinVar:

NM_004621.6(TRPC6):c.1801A>G (p.Ile601Val)

Gene: TRPC6 (transient receptor potential cation channel subfamily C member 6; minus strand). Cytogenetic location: 11q22.1.
Variant type: single nucleotide variant.
Coding change: c.1801A>G on transcript NM_004621.6 (MANE Select); coding-DNA position 1801, A replaced by G.
Protein change: p.Ile601Val; replaces isoleucine 601 with valine.
Molecular consequence: missense variant.
Genome position (GRCh38, 1-based): chr11:101,473,717, T>C on the plus strand (A>G on the coding strand, the complement: TRPC6 is on the minus strand). VCF-style: chr11-101473717-T-C. GRCh37 (hg19) VCF-style: chr11-101344448-T-C.
Other names: short protein forms I601V.
Identifiers: ClinVar variation 1505847 (VCV001505847.9), dbSNP rs1174005732, ClinGen allele CA382440427.

ClinVar aggregate classification (germline): Uncertain significance. Review status: criteria provided, multiple submitters, no conflicts (2 of 4 stars). 2 submissions from 2 submitters: Uncertain significance (2). Last evaluated 2025-06-12.

Conditions:
Focal segmental glomerulosclerosis 2 (FSGS2). Identifiers: Orphanet 656, MedGen C1858915, MONDO:0011390, OMIM 603965.

Allele frequency attached by ClinVar (database versions not stated): TOPMed below 0.00001; gnomAD 0.00001.
gnomAD v4.1: 1 of 1,613,612 alleles (0.000062%); highest among the groups gnomAD compares: African/African-American, 0.0013%; no homozygotes.

Submissions (2):

Labcorp Genetics (formerly Invitae), Labcorp
Classification: Uncertain significance. Last evaluated: 2025-06-12. Review status: criteria provided, single submitter. Criteria: Invitae Variant Classification Sherloc (09022015). Collection method: clinical testing. Allele origin: germline.
Comment: This sequence change replaces isoleucine, which is neutral and non-polar, with valine, which is neutral and non-polar, at codon 601 of the TRPC6 protein (p.Ile601Val). This variant is not present in population databases (gnomAD no frequency). This variant has not been reported in the literature in individuals affected with TRPC6-related conditions. ClinVar contains an entry for this variant (Variation ID: 1505847). Invitae Evidence Modeling of protein sequence and biophysical properties (such as structural, functional, and spatial information, amino acid conservation, physicochemical variation, residue mobility, and thermodynamic stability) indicates that this missense variant is not expected to disrupt TRPC6 protein function with a negative predictive value of 95%. In summary, the available evidence is currently insufficient to determine the role of this variant in disease. Therefore, it has been classified as a Variant of Uncertain Significance.

Fulgent Genetics
Classification: Uncertain significance for Focal segmental glomerulosclerosis 2. Last evaluated: 2024-03-26. Review status: criteria provided, single submitter. Criteria: ACMG Guidelines, 2015. Collection method: clinical testing. Allele origin: germline.